The following is an entry in ClinVar:

ClinVar aggregate classification (germline): Uncertain significance (1 of 4 stars; one submission).

Conditions:
Hyperimmunoglobulin D with periodic fever (HIDS). Also called: HYPERIMMUNOGLOBULINEMIA D AND PERIODIC FEVER SYNDROME; Hyperimmunoglobulinemia D; Hyperimmunoglobulinemia D with periodic fever. Identifiers: Orphanet 343, MedGen C0398691, MONDO:0009849, OMIM 260920.
Mevalonic aciduria (MEVA). Identifiers: Orphanet 29, MedGen C1959626, MONDO:0012481, OMIM 610377.
Porokeratosis 3, disseminated superficial actinic type (POROK3). Also called: POROKERATOSIS 3, MULTIPLE TYPES; POROKERATOSIS 3, MIBELLI TYPE; POROKERATOSIS, DISSEMINATED SUPERFICIAL ACTINIC, 1. Identifiers: MedGen C1867981, MONDO:0008293, OMIM 175900.

Allele frequency attached by ClinVar (database versions not stated): TOPMed below 0.00001.

Submission:

Labcorp Genetics (formerly Invitae), Labcorp
Classification: Uncertain significance for Mevalonic aciduria; Hyperimmunoglobulin D with periodic fever; Porokeratosis 3, disseminated superficial actinic type. Last evaluated: 2024-08-05. Review status: criteria provided, single submitter. Criteria: Invitae Variant Classification Sherloc (09022015). Collection method: clinical testing. Allele origin: germline.
Comment: This sequence change replaces arginine, which is basic and polar, with lysine, which is basic and polar, at codon 251 of the MVK protein (p.Arg251Lys). This variant is not present in population databases (gnomAD no frequency). This variant has not been reported in the literature in individuals affected with MVK-related conditions. ClinVar contains an entry for this variant (Variation ID: 1021813). Advanced modeling of protein sequence and biophysical properties (such as structural, functional, and spatial information, amino acid conservation, physicochemical variation, residue mobility, and thermodynamic stability) performed at Invitae indicates that this missense variant is not expected to disrupt MVK protein function with a negative predictive value of 80%. In summary, the available evidence is currently insufficient to determine the role of this variant in disease. Therefore, it has been classified as a Variant of Uncertain Significance.

NM_000431.4(MVK):c.752G>A (p.Arg251Lys)

Gene: MVK (mevalonate kinase; plus strand). Cytogenetic location: 12q24.11.
Variant type: single nucleotide variant.
Coding change: c.752G>A on transcript NM_000431.4 (MANE Select); coding-DNA position 752, G replaced by A.
Protein change: p.Arg251Lys; replaces arginine 251 with lysine.
Molecular consequence: missense variant.
Genome position (GRCh38, 1-based): chr12:109,590,845, G>A. VCF-style: chr12-109590845-G-A. GRCh37 (hg19) VCF-style: chr12-110028650-G-A.
Other names: c.752G>A, p.Arg251Lys (NM_001114185.3); c.596G>A, p.Arg199Lys (NM_001301182.2); short protein forms R199K, R251K.
Identifiers: ClinVar variation 1021813 (VCV001021813.8), dbSNP rs1885638229, ClinGen allele CA386649110.
Genomic context (GRCh38, chr12:109,590,845, plus strand): 5'-AGATCCTGCTGACCAACACCAAAGTCCCTCGCAATACCAGGGCCCTTGTGGCTGGCGTCA[G>A]AAACAGGCTGCTCAAGGTGACTCTTGTTCCCTTCTTGGGCAGGTTTCAGGAAGGCCAGGA-3'
Protein context (NP_000422.1, residues 241-261): RNTRALVAGV[Arg251Lys]NRLLKFPEIV